The following is an entry in ClinVar:

NM_206933.4(USH2A):c.7568G>A (p.Trp2523Ter)

Gene: USH2A (usherin; minus strand). Cytogenetic location: 1q41.
Variant type: single nucleotide variant.
Coding change: c.7568G>A on transcript NM_206933.4 (MANE Select); coding-DNA position 7568, G replaced by A.
Protein change: p.Trp2523Ter; replaces tryptophan 2523 with a stop codon.
Molecular consequence: nonsense.
Genome position (GRCh38, 1-based): chr1:215,900,101, C>T on the plus strand (G>A on the coding strand, the complement: USH2A is on the minus strand). VCF-style: chr1-215900101-C-T. GRCh37 (hg19) VCF-style: chr1-216073443-C-T.
Other names: short protein forms W2523*.
Identifiers: ClinVar variation 556144 (VCV000556144.13), dbSNP rs1553274424, ClinGen allele CA344847056.

ClinVar aggregate classification (germline): Pathogenic/Likely pathogenic. Review status: criteria provided, multiple submitters, no conflicts (2 of 4 stars). 5 submissions from 4 submitters: Pathogenic (2); Likely pathogenic (2). 1 of the submissions does not count toward it. Last evaluated 2023-11-04.

Conditions:
Usher syndrome type 2A. Also called: RETINAL DISEASE IN USHER SYNDROME TYPE IIA, MODIFIER OF; USHER SYNDROME, TYPE IIA. Identifiers: Orphanet 231178, Orphanet 886, MedGen C1848634, MONDO:0010169, OMIM 276901.
Retinitis pigmentosa 39 (RP39). Identifiers: Orphanet 791, MedGen C3151138, MONDO:0013436, OMIM 613809.

Submissions (5):

Genome-Nilou Lab
Classification: Likely pathogenic for Retinitis pigmentosa 39. Last evaluated: 2023-11-04. Review status: criteria provided, single submitter. Criteria: ACMG Guidelines, 2015. Collection method: clinical testing. Allele origin: germline. Affected: no.

Genome-Nilou Lab
Classification: Likely pathogenic for Usher syndrome type 2A. Last evaluated: 2023-11-04. Review status: criteria provided, single submitter. Criteria: ACMG Guidelines, 2015. Collection method: clinical testing. Allele origin: germline. Affected: no.

Baylor Genetics
Classification: Pathogenic for Retinitis pigmentosa 39. Last evaluated: 2022-10-01. Review status: criteria provided, single submitter. Criteria: ACMG Guidelines, 2015. Collection method: clinical testing. Allele origin: unknown.

Labcorp Genetics (formerly Invitae), Labcorp
Classification: Pathogenic. Last evaluated: 2019-08-21. Review status: criteria provided, single submitter. Criteria: Invitae Variant Classification Sherloc (09022015). Collection method: clinical testing. Allele origin: germline.
Comment: For these reasons, this variant has been classified as Pathogenic. Loss-of-function variants in USH2A are known to be pathogenic (PMID: 10729113, 10909849, 20507924, 25649381). This variant has been observed in an individual affected with retinitis pigmentosa (PMID: 26496393). ClinVar contains an entry for this variant (Variation ID: 556144). This variant is not present in population databases (ExAC no frequency). This sequence change creates a premature translational stop signal (p.Trp2523*) in the USH2A gene. It is expected to result in an absent or disrupted protein product.

Counsyl
Classification: Likely pathogenic for Usher syndrome type 2A; Retinitis pigmentosa 39. Last evaluated: 2018-01-15. Review status: no assertion criteria provided. Collection method: clinical testing. Allele origin: unknown. Not counted in ClinVar's aggregate classification.

Literature cited by the submitters: PubMed 10729113 (cited by Labcorp Genetics (formerly Invitae), Labcorp); PubMed 10909849 (cited by Labcorp Genetics (formerly Invitae), Labcorp); PubMed 20507924 (cited by Labcorp Genetics (formerly Invitae), Labcorp); PubMed 25649381 (cited by Labcorp Genetics (formerly Invitae), Labcorp); PubMed 26496393 (cited by Labcorp Genetics (formerly Invitae), Labcorp and Counsyl).